The following is an entry in ClinVar:

ClinVar aggregate classification (germline): Likely benign (0 of 4 stars; one submission).

Conditions:
TRPA1-related disorder. Also called: TRPA1-related condition.

Allele frequency attached by ClinVar (database versions not stated): TOPMed 0.00005; ExAC 0.00007; gnomAD 0.00008; gnomAD exomes 0.00012; ESP Exome Variant Server 0.00015.

Submission:

PreventionGenetics, part of Exact Sciences
Classification: Likely benign for TRPA1-related condition. Last evaluated: 2020-02-06. Review status: no assertion criteria provided. Collection method: clinical testing. Allele origin: germline.
Comment: This variant is classified as likely benign based on ACMG/AMP sequence variant interpretation guidelines (Richards et al. 2015 PMID: 25741868, with internal and published modifications).

NM_007332.3(TRPA1):c.315T>C (p.Ala105=)

Gene: TRPA1 (transient receptor potential cation channel subfamily A member 1; minus strand). Cytogenetic location: 8q21.11.
Variant type: single nucleotide variant.
Coding change: c.315T>C on transcript NM_007332.3 (MANE Select); coding-DNA position 315, T replaced by C.
Protein change: p.Ala105=; no amino-acid change (alanine 105 retained).
Molecular consequence: synonymous variant.
Genome position (GRCh38, 1-based): chr8:72,069,152, A>G on the plus strand (T>C on the coding strand, the complement: TRPA1 is on the minus strand). VCF-style: chr8-72069152-A-G. GRCh37 (hg19) VCF-style: chr8-72981387-A-G.
Identifiers: ClinVar variation 3051559 (VCV003051559.2), dbSNP rs149267552, ClinGen allele CA4781266.